The following is an entry in ClinVar:

ClinVar aggregate classification (germline): Uncertain significance (1 of 4 stars; one submission).

Conditions:
KBG syndrome (KBGS). Also called: ANKRD11-Related KBG Syndrome. Identifiers: Orphanet 2332, MedGen C0220687, MONDO:0007846, OMIM 148050.

gnomAD v4.1: 3 of 1,597,154 alleles (0.00019%); highest among the groups gnomAD compares: South Asian, 0.0022%; no homozygotes.

Submission:

Labcorp Genetics (formerly Invitae), Labcorp
Classification: Uncertain significance for KBG syndrome. Last evaluated: 2024-07-24. Review status: criteria provided, single submitter. Criteria: Invitae Variant Classification Sherloc (09022015). Collection method: clinical testing. Allele origin: germline.
Comment: This sequence change replaces threonine, which is neutral and polar, with isoleucine, which is neutral and non-polar, at codon 1874 of the ANKRD11 protein (p.Thr1874Ile). The frequency data for this variant in the population databases is considered unreliable, as metrics indicate poor data quality at this position in the gnomAD database. This variant has not been reported in the literature in individuals affected with ANKRD11-related conditions. Advanced modeling of protein sequence and biophysical properties (such as structural, functional, and spatial information, amino acid conservation, physicochemical variation, residue mobility, and thermodynamic stability) performed at Invitae indicates that this missense variant is not expected to disrupt ANKRD11 protein function with a negative predictive value of 95%. In summary, the available evidence is currently insufficient to determine the role of this variant in disease. Therefore, it has been classified as a Variant of Uncertain Significance.

NM_013275.6(ANKRD11):c.5621C>T (p.Thr1874Ile)

Gene: ANKRD11 (ankyrin repeat domain 11; minus strand). Cytogenetic location: 16q24.3.
Variant type: single nucleotide variant.
Coding change: c.5621C>T on transcript NM_013275.6 (MANE Select); coding-DNA position 5621, C replaced by T.
Protein change: p.Thr1874Ile; replaces threonine 1874 with isoleucine.
Molecular consequence: missense variant.
Genome position (GRCh38, 1-based): chr16:89,280,921, G>A on the plus strand (C>T on the coding strand, the complement: ANKRD11 is on the minus strand). VCF-style: chr16-89280921-G-A. GRCh37 (hg19) VCF-style: chr16-89347329-G-A.
Other names: c.5621C>T, p.Thr1874Ile (NM_001256182.2, NM_001256183.2); short protein forms T1874I.
Identifiers: ClinVar variation 3694187 (VCV003694187.2).
Genomic context (GRCh38, chr16:89,280,921, plus strand): 5'-GGGGAAGGGGAAGGTTTTGCTTGTAAACTTGAGAAGACGCCCTCTGGAGACGGGGTGACA[G>A]TGACAACGGCAGCCGGTGGGCAGTGCAAAGCGTCGACTTTGGGCGACGGGAGGCCATAGT-3'
Protein context (NP_037407.4, residues 1864-1884): ALHCPPAAVV[Thr1874Ile]VTPSPEGVFS